The following is an entry in ClinVar:

ClinVar aggregate classification (germline): Likely pathogenic (1 of 4 stars; one submission).

Conditions:
Metachromatic leukodystrophy (MLD). Also called: Cerebral sclerosis diffuse metachromatic form; Arylsulfatase A Deficiency; ARSA DEFICIENCY; CEREBROSIDE SULFATASE DEFICIENCY; METACHROMATIC LEUKOENCEPHALOPATHY; SULFATIDE LIPIDOSIS. Identifiers: Orphanet 512, MedGen C0023522, MONDO:0018868, OMIM 250100.

Submission:

Natera, Inc.
Classification: Likely pathogenic for Metachromatic leukodystrophy. Last evaluated: 2026-01-22. Review status: criteria provided, single submitter. Criteria: Natera Variant Classification Schema (03/2026). Collection method: clinical testing. Allele origin: germline.
Comment: The c.1016_1020del variant in PSAP is a frameshift variant predicted to shift the reading frame beginning at codon 339 and leads to a stop codon 3 codons downstream. This variant is expected to result in nonsense mediated decay, truncation, or a dysfunctional protein product. This variant is rare in the general population with a frequency below the threshold expected for the associated phenotype(s). Given the available evidence, this variant is classified as Likely Pathogenic.

NM_002778.4(PSAP):c.1016_1020del (p.Leu339fs)

Gene: PSAP (prosaposin; minus strand). Cytogenetic location: 10q22.1.
Variant type: Deletion.
Coding change: c.1016_1020del on transcript NM_002778.4 (MANE Select); coding-DNA positions 1016 to 1020, 5 bases deleted (TCGAC; older notation c.1016_1020delTCGAC).
Protein change: p.Leu339fs; shifts the reading frame from leucine 339.
Molecular consequence: frameshift variant.
Genome position (GRCh38, 1-based): chr10:71,819,886-71,819,890, GTCGA deleted on the plus strand (TCGAC on the coding strand, the reverse complement: PSAP is on the minus strand); deleting any 5 consecutive bases within chr10:71,819,886-71,819,892 gives the same sequence; the c. name uses the placement nearest the transcript's 3' end. VCF-style (leftmost placement, unchanged base first): chr10-71819885-CGTCGA-C. GRCh37 (hg19) VCF-style: chr10-73579642-CGTCGA-C.
Other names: c.1025_1029del, p.Leu342fs (NM_001042465.3); c.1022_1026del, p.Leu341fs (NM_001042466.3); short protein forms L339fs, L341fs, L342fs.
Identifiers: ClinVar variation 4815073 (VCV004815073.1).